The following is an entry in ClinVar:

ClinVar aggregate classification (germline): Pathogenic (1 of 4 stars; one submission).

Conditions:
Hereditary breast ovarian cancer syndrome. Also called: Hereditary breast and/or ovarian cancer syndrome; Breast and ovarian cancer; BRCA1- and BRCA2-Associated Hereditary Breast and Ovarian Cancer; Hereditary breast and ovarian cancer syndrome; Hereditary breast and ovarian cancer syndrome (HBOC); Hereditary breast and ovarian cancer. Identifiers: Orphanet 145, MedGen C0677776, MeSH D061325, MONDO:0003582. Disease mechanism: loss of function.

Submission:

Labcorp Genetics (formerly Invitae), Labcorp
Classification: Pathogenic for Hereditary breast ovarian cancer syndrome. Last evaluated: 2014-11-26. Review status: criteria provided, single submitter. Criteria: Invitae Variant Classification Sherloc (09022015). Collection method: clinical testing. Allele origin: germline.
Comment: This sequence change removes the five prime untranslated region, the translation start site, and the first two coding exons of BRCA1, a change that is expected to abolish the function of the BRCA1 protein. Large, multi-exon deletions of the BRCA1 gene, including the deletion of exons 1-3, have been reported previously and are known to be pathogenic (PMID: 15951958, 22544547).

NM_007294.3(BRCA1):c.(?_-1)_134+?del

Genes: BRCA1 (BRCA1 DNA repair associated; minus strand), LOC110485084 (BRCA1 intronic recombination region; plus strand), LOC111589216 (BRCA1 intron 2 regulatory region; plus strand). Cytogenetic location: 17q21.31.
Variant type: Deletion.
Other names: c.(?_-1)_134+?del (LRG_292t1).
Identifiers: ClinVar variation 218290 (VCV000218290.1).